The following is an entry in ClinVar:

NM_000388.4(CASR):c.1598T>C (p.Phe533Ser)

Gene: CASR (calcium sensing receptor; plus strand). Cytogenetic location: 3q21.1.
Variant type: single nucleotide variant.
Coding change: c.1598T>C on transcript NM_000388.4 (MANE Select); coding-DNA position 1598, T replaced by C.
Protein change: p.Phe533Ser; replaces phenylalanine 533 with serine.
Molecular consequence: missense variant.
Genome position (GRCh38, 1-based): chr3:122,276,032, T>C. VCF-style: chr3-122276032-T-C. GRCh37 (hg19) VCF-style: chr3-121994879-T-C.
Other names: c.1598T>C, p.Phe533Ser (NM_001178065.2); short protein forms F533S.
Identifiers: ClinVar variation 1060590 (VCV001060590.9), dbSNP rs2107643782, ClinGen allele CA354155572.
Genomic context (GRCh38, chr3:122,276,032, plus strand): 5'-TCTATGCCAAGAAGGGAGAAAGACTCTTCATCAACGAGGAGAAAATCCTGTGGAGTGGGT[T>C]CTCCAGGGAGGTAGGTGCTGTCCATCAGAAAACCAGATGTCTCCACCAGGGGCAGGAAAC-3'
Protein context (NP_000379.3, residues 523-543): INEEKILWSG[Phe533Ser]SREVPFSNCS

ClinVar aggregate classification (germline): Uncertain significance (1 of 4 stars; one submission).

Conditions:
Autosomal dominant hypocalcemia 1 (HYPOC1). Also called: HYPOCALCEMIA, FAMILIAL. Identifiers: MedGen C3715128, MONDO:0011013, OMIM 601198.
Familial hypocalciuric hypercalcemia (FHH). Also called: Familial benign hypercalcemia. Identifiers: Orphanet 405, MedGen C1809471, MONDO:0018458.

Submission:

Labcorp Genetics (formerly Invitae), Labcorp
Classification: Uncertain significance for Familial hypocalciuric hypercalcemia; Autosomal dominant hypocalcemia 1. Last evaluated: 2020-04-19. Review status: criteria provided, single submitter. Criteria: Invitae Variant Classification Sherloc (09022015). Collection method: clinical testing. Allele origin: germline.
Comment: In summary, the available evidence is currently insufficient to determine the role of this variant in disease. Therefore, it has been classified as a Variant of Uncertain Significance. Algorithms developed to predict the effect of missense changes on protein structure and function are either unavailable or do not agree on the potential impact of this missense change (SIFT: "Deleterious"; PolyPhen-2: "Benign"; Align-GVGD: "Class C55"). This variant has not been reported in the literature in individuals with CASR-related conditions. This variant is not present in population databases (ExAC no frequency). This sequence change replaces phenylalanine with serine at codon 533 of the CASR protein (p.Phe533Ser). The phenylalanine residue is highly conserved and there is a large physicochemical difference between phenylalanine and serine.